The following is an entry in ClinVar:

NM_001386298.1(CIC):c.7069G>A (p.Asp2357Asn)

Gene: CIC (capicua transcriptional repressor; plus strand). Cytogenetic location: 19q13.2.
Variant type: single nucleotide variant.
Coding change: c.7069G>A on transcript NM_001386298.1 (MANE Select); coding-DNA position 7069, G replaced by A.
Protein change: p.Asp2357Asn; replaces aspartic acid 2357 with asparagine.
Molecular consequence: missense variant.
Genome position (GRCh38, 1-based): chr19:42,294,618, G>A. VCF-style: chr19-42294618-G-A. GRCh37 (hg19) VCF-style: chr19-42798770-G-A.
Other names: c.7069G>A, p.Asp2357Asn (NM_001304815.2); c.7066G>A, p.Asp2356Asn (NM_001379480.1, NM_001379482.1, NM_001439183.1); c.4336G>A, p.Asp1446Asn (NM_001379484.1, NM_001439191.1); c.4333G>A, p.Asp1445Asn (NM_001379485.1); c.7063G>A, p.Asp2355Asn (NM_001439184.1, NM_001439185.1, NM_001439186.1); c.7060G>A, p.Asp2354Asn (NM_001439187.1); c.7057G>A, p.Asp2353Asn (NM_001439188.1); c.4339G>A, p.Asp1447Asn (NM_001439189.1, NM_001439190.1); and 1 more; short protein forms D1445N, D1446N, D1447N, D1448N, D2353N, D2354N, D2355N, D2356N.
Identifiers: ClinVar variation 4851558 (VCV004851558.1).

ClinVar aggregate classification (germline): Likely benign (1 of 4 stars; one submission).

Conditions:
Intellectual developmental disorder, autosomal dominant 45. Also called: MENTAL RETARDATION, AUTOSOMAL DOMINANT 45; Intellectual disability, autosomal dominant 45. Identifiers: MedGen C4539848, MONDO:0030910, OMIM 617600.

Submission:

Centre for Medical Genetics,  Mumbai
Classification: Likely benign for Intellectual developmental disorder, autosomal dominant 45. Last evaluated: 2026-04-20. Review status: criteria provided, single submitter. Criteria: ACMG Guidelines, 2015. Collection method: provider interpretation. Allele origin: germline. Inheritance: Autosomal dominant inheritance. Affected: no. Observed: 1 variant allele, 1 heterozygote.
Comment: The variant satisfies PM2 criteria - extremely low frequency in gnomAD population databases. However, the variant satisfies BS2 criteria - present in heterozygous state in an individual that clinically does not have intellectual developmental disorder.

Literature cited by the submitters: PubMed 28288114.